The following is an entry in ClinVar:

ClinVar aggregate classification (germline): Pathogenic (1 of 4 stars; one submission).

Conditions:
Gastrointestinal stromal tumor. Also called: Gastrointestinal stromal tumor, somatic; Gastrointestinal stroma tumor. Identifiers: Orphanet 44890, MedGen C0238198, MeSH D046152, MONDO:0011719, OMIM 606764, HP:0100723.
Pheochromocytoma/paraganglioma syndrome 3. Also called: GLOMUS TUMORS, FAMILIAL, 3; SDHC-Related Hereditary Paraganglioma-Pheochromocytoma Syndrome; Paragangliomas 3; SDHC-Related Hereditary Paraganglioma-Pheochromocytoma Syndrome (Paragangliomas 3). Identifiers: Orphanet 29072, MedGen C1854336, MONDO:0011544, OMIM 605373.

Submission:

Labcorp Genetics (formerly Invitae), Labcorp
Classification: Pathogenic for Pheochromocytoma/paraganglioma syndrome 3; Gastrointestinal stromal tumor. Last evaluated: 2020-01-17. Review status: criteria provided, single submitter. Criteria: Invitae Variant Classification Sherloc (09022015). Collection method: clinical testing. Allele origin: germline.
Comment: This sequence change creates a premature translational stop signal (p.Tyr59Thrfs*20) in the SDHC gene. It is expected to result in an absent or disrupted protein product. This variant is not present in population databases (ExAC no frequency). This variant has not been reported in the literature in individuals with SDHC-related conditions. Loss-of-function variants in SDHC are known to be pathogenic (PMID: 19454582, 24758179). For these reasons, this variant has been classified as Pathogenic.

Literature cited by the submitters: PubMed 19454582; PubMed 24758179.

NM_003001.5(SDHC):c.175del (p.Tyr59fs)

Gene: SDHC (succinate dehydrogenase complex subunit C; plus strand). Cytogenetic location: 1q23.3.
Variant type: Deletion.
Coding change: c.175del on transcript NM_003001.5 (MANE Select); coding-DNA position 175, one base deleted (T; older notation c.175delT).
Protein change: p.Tyr59fs; shifts the reading frame from tyrosine 59.
Molecular consequence: frameshift variant. On other transcripts: non-coding transcript variant (1), intron variant (4).
Genome position (GRCh38, 1-based): chr1:161,328,493, T deleted. VCF-style (leftmost placement, unchanged base first): chr1-161328492-CT-C. GRCh37 (hg19) VCF-style: chr1-161298282-CT-C.
Other names: c.175del, p.Tyr59fs (NM_001035511.3, NM_001407115.1); c.118del, p.Tyr40fs (NM_001407116.1, NM_001407117.1, NM_001407121.1); c.64del, p.Tyr22fs (NM_001407119.1, NM_001407120.1); c.175delT, p.Tyr59Thrfs (NM_003001.3); c.77+4823del (NM_001035512.3, NM_001278172.3, NM_001407118.1); c.21-12101del (NM_001035513.3); short protein forms Y59fs, Y22fs, Y40fs.
Identifiers: ClinVar variation 959675 (VCV000959675.9), dbSNP rs1671157149, ClinGen allele CA1139655529.
Genomic context (GRCh38, chr1:161,328,492, plus strand): 5'-GGAGCGGTTCTGGAATAAGAATATAGGTTCAAACCGTCCTCTGTCTCCCCACATTACTAT[CT>C]ACAGGTAAGGAAGGATTCTGGAGCCAGAGAATCTAGAGGTAGTGGGTGAAAGTTCTGAAG-3'